The following is an entry in ClinVar:

ClinVar aggregate classification (germline): Pathogenic (1 of 4 stars; one submission).

Conditions:
Fanconi anemia (FA). Also called: Fanconi's anemia. Identifiers: Orphanet 84, MedGen C0015625, MeSH D005199, MONDO:0019391.

Submission:

Labcorp Genetics (formerly Invitae), Labcorp
Classification: Pathogenic for Fanconi anemia. Last evaluated: 2019-12-28. Review status: criteria provided, single submitter. Criteria: Invitae Variant Classification Sherloc (09022015). Collection method: clinical testing. Allele origin: germline.
Comment: This variant is an out-of-frame deletion of the genomic region encompassing exons 30-33 of the FANCA gene. This is expected to create a premature translational stop signal and result in an absent or disrupted protein product. This variant has not been reported in the literature in individuals with FANCA-related conditions. Loss-of-function variants in FANCA are known to be pathogenic (PMID: 19367192). For these reasons, this variant has been classified as Pathogenic.

NC_000016.10:g.(?_89748649)_(89758715_?)del

Gene: FANCA (FA complementation group A; minus strand). Cytogenetic location: 16q24.3.
Variant type: Deletion.
Identifiers: ClinVar variation 832641 (VCV000832641.1).